The following is an entry in ClinVar:

ClinVar aggregate classification (germline): Uncertain significance (1 of 4 stars; one submission).

Conditions:
Focal segmental glomerulosclerosis 5 (FSGS5). Identifiers: Orphanet 656, MedGen C2750475, MONDO:0013191, OMIM 613237.
Charcot-Marie-Tooth disease dominant intermediate E. Also called: CHARCOT-MARIE-TOOTH NEUROPATHY WITH FOCAL SEGMENTAL GLOMERULONEPHRITIS. Identifiers: Orphanet 93114, MedGen C4302667, MONDO:0013758, OMIM 614455.

Submission:

Labcorp Genetics (formerly Invitae), Labcorp
Classification: Uncertain significance for Charcot-Marie-Tooth disease dominant intermediate E; Focal segmental glomerulosclerosis 5. Last evaluated: 2025-03-18. Review status: criteria provided, single submitter. Criteria: Invitae Variant Classification Sherloc (09022015). Collection method: clinical testing. Allele origin: germline.
Comment: This sequence change replaces proline, which is neutral and non-polar, with arginine, which is basic and polar, at codon 423 of the INF2 protein (p.Pro423Arg). This variant is not present in population databases (gnomAD no frequency). This variant has not been reported in the literature in individuals affected with INF2-related conditions. Invitae Evidence Modeling of protein sequence and biophysical properties (such as structural, functional, and spatial information, amino acid conservation, physicochemical variation, residue mobility, and thermodynamic stability) indicates that this missense variant is not expected to disrupt INF2 protein function with a negative predictive value of 95%. In summary, the available evidence is currently insufficient to determine the role of this variant in disease. Therefore, it has been classified as a Variant of Uncertain Significance.

NM_022489.4(INF2):c.1268C>G (p.Pro423Arg)

Gene: INF2 (inverted formin 2; plus strand). Cytogenetic location: 14q32.33.
Variant type: single nucleotide variant.
Coding change: c.1268C>G on transcript NM_022489.4 (MANE Select); coding-DNA position 1268, C replaced by G.
Protein change: p.Pro423Arg; replaces proline 423 with arginine.
Molecular consequence: missense variant. On other transcripts: non-coding transcript variant (1).
Genome position (GRCh38, 1-based): chr14:104,707,535, C>G. VCF-style: chr14-104707535-C-G. GRCh37 (hg19) VCF-style: chr14-105173872-C-G.
Other names: c.1268C>G, p.Pro423Arg (NM_001031714.4, NM_001426862.1, NM_001426863.1 and 2 more transcripts); short protein forms P423R.
Identifiers: ClinVar variation 4787675 (VCV004787675.1).